The following is an entry in ClinVar:

NM_004562.3(PRKN):c.460T>C (p.Cys154Arg)

Genes: PRKN (parkin RBR E3 ubiquitin protein ligase; minus strand), LOC126859871 (MED14-independent group 3 enhancer GRCh37_chr6:162621359-162622558; plus strand). Cytogenetic location: 6q26.
Variant type: single nucleotide variant.
Coding change: c.460T>C on transcript NM_004562.3 (MANE Select); coding-DNA position 460, T replaced by C.
Protein change: p.Cys154Arg; replaces cysteine 154 with arginine.
Molecular consequence: missense variant. On other transcripts: intron variant (1).
Genome position (GRCh38, 1-based): chr6:162,201,205, A>G on the plus strand (T>C on the coding strand, the complement: PRKN is on the minus strand). VCF-style: chr6-162201205-A-G. GRCh37 (hg19) VCF-style: chr6-162622237-A-G.
Other names: c.460T>C, p.Cys154Arg (NM_013987.3); c.172-227788T>C (NM_013988.3); short protein forms C154R.
Identifiers: ClinVar variation 2909046 (VCV002909046.3), dbSNP rs2546791695, ClinGen allele CA366475563.

ClinVar aggregate classification (germline): Uncertain significance (1 of 4 stars; one submission).

Submission:

Labcorp Genetics (formerly Invitae), Labcorp
Classification: Uncertain significance. Last evaluated: 2023-06-07. Review status: criteria provided, single submitter. Criteria: Invitae Variant Classification Sherloc (09022015). Collection method: clinical testing. Allele origin: germline.
Comment: In summary, the available evidence is currently insufficient to determine the role of this variant in disease. Therefore, it has been classified as a Variant of Uncertain Significance. Advanced modeling of protein sequence and biophysical properties (such as structural, functional, and spatial information, amino acid conservation, physicochemical variation, residue mobility, and thermodynamic stability) has been performed at Invitae for this missense variant, however the output from this modeling did not meet the statistical confidence thresholds required to predict the impact of this variant on PRKN protein function. This variant has not been reported in the literature in individuals affected with PRKN-related conditions. This variant is not present in population databases (gnomAD no frequency). This sequence change replaces cysteine, which is neutral and slightly polar, with arginine, which is basic and polar, at codon 154 of the PRKN protein (p.Cys154Arg).